The following is an entry in ClinVar:

NR_104080.1(RNU6-9):n.55_56insG

Gene: RNU6-9 (RNA, U6 small nuclear 9; plus strand). Cytogenetic location: 19p13.3.
Variant type: Insertion.
Molecular consequence: non-coding transcript variant (on NR_104080.1).
Genome position: GRCh38 VCF-style: chr19-893538-C-CG. GRCh37 (hg19) VCF-style: chr19-893538-C-CG.
Other names: NC_000019.10:g.893538_893539insG.
Identifiers: ClinVar variation 4282512 (VCV004282512.1).
Genomic context (GRCh38, chr19:893,538, plus strand): 5'-ATATTCGTGCTCGCTTCGGCAGCACATATACTAAAATTGGAACGATACAGAGAAGATTAG[C>CG]ATGGCCCCTGCGCAAGGATGACACGCAAATTCGTGAAGCGTTCCATATTTTTTTTTTTTT-3'

ClinVar aggregate classification (germline): Likely pathogenic (1 of 4 stars; one submission).

Conditions:
Retinitis pigmentosa (RP). Identifiers: Orphanet 791, MedGen C0035334, MeSH D012174, MONDO:0019200, OMIM 268000. Inheritance: Autosomal dominant, autosomal recessive and X linked inheritance.

Submission:

Ophthalmic Genetics Group, Institute of Molecular and Clinical Ophthalmology Basel
Classification: Likely pathogenic for Retinitis pigmentosa. Last evaluated: 2025-10-01. Review status: criteria provided, single submitter. Criteria: ACMG Guidelines, 2015. Collection method: research. Allele origin: germline. Affected: yes. Observed: 18 variant alleles.
Comment: The NR_104080.1:n.55_56insG variant is a single base-pair insertion in RNU6-9. It was found in 16 unrelated probands with retinitis pigmentosa among ~5,000 cases tested. It is absent from gnomAD (v4.1.0) and from AllofUs. It was therefore significantly enriched (Fisher's exact test) in cases vs controls and we applied PS4 criteria. PM2_sup was not applied to avoid counting evidence already used for PS4 criteria. It also was present in 2 affected family members and therefore PP1_mod was applied. In three families, the variants was found de novo without parental confirmation and PM6_sup was used. It was also shown to affect a conserved region and to have an effect on the U4/U6 duplex modeled in 2D. In summary, using ACMG criteria and more specifically ClinGen recommendations, this variant was classified as likely pathogenic with PS4, PM6_sup, and PP1_mod criteria.